The following is an entry in ClinVar:

ClinVar aggregate classification (germline): Uncertain significance. Review status: criteria provided, multiple submitters, no conflicts (2 of 4 stars). 2 submissions from 2 submitters: Uncertain significance (2). Last evaluated 2025-04-08.

Conditions:
Myasthenic syndrome, congenital, 22 (CMS22). Also called: PREPL DEFICIENCY. Identifiers: MedGen C4479088, MONDO:0044299, OMIM 616224.

Allele frequency attached by ClinVar (database versions not stated): gnomAD 0.00001; gnomAD exomes 0.00002 and 0.00006; ExAC 0.00003; TOPMed 0.00003; ESP Exome Variant Server 0.00015.

Submissions (2):

GeneDx
Classification: Uncertain significance. Last evaluated: 2025-04-08. Review status: criteria provided, single submitter. Criteria: GeneDx Variant Classification Process June 2021. Collection method: clinical testing. Allele origin: germline. Affected: yes.
Comment: In vitro published functional studies suggest that p.(Arg243Cys) impairs protein-protein interactions despite an intact catalytic structure (PMID: 39078710); In silico analysis indicates that this missense variant does not alter protein structure/function; This variant is associated with the following publications: (PMID: 39078710)

Labcorp Genetics (formerly Invitae), Labcorp
Classification: Uncertain significance for Myasthenic syndrome, congenital, 22. Last evaluated: 2022-06-04. Review status: criteria provided, single submitter. Criteria: Invitae Variant Classification Sherloc (09022015). Collection method: clinical testing. Allele origin: germline.
Comment: This sequence change replaces arginine, which is basic and polar, with cysteine, which is neutral and slightly polar, at codon 243 of the PREPL protein (p.Arg243Cys). This variant is present in population databases (rs146183409, gnomAD 0.004%). This variant has not been reported in the literature in individuals affected with PREPL-related conditions. ClinVar contains an entry for this variant (Variation ID: 933483). Algorithms developed to predict the effect of missense changes on protein structure and function output the following: SIFT: "Tolerated"; PolyPhen-2: "Benign"; Align-GVGD: "Class C0". The cysteine amino acid residue is found in multiple mammalian species, which suggests that this missense change does not adversely affect protein function. In summary, the available evidence is currently insufficient to determine the role of this variant in disease. Therefore, it has been classified as a Variant of Uncertain Significance.

NM_001171613.2(PREPL):c.460C>T (p.Arg154Cys)

Gene: PREPL (prolyl endopeptidase like; minus strand). Cytogenetic location: 2p21.
Variant type: single nucleotide variant.
Coding change: c.460C>T on transcript NM_001171613.2 (MANE Select); coding-DNA position 460, C replaced by T.
Protein change: p.Arg154Cys; replaces arginine 154 with cysteine.
Molecular consequence: missense variant.
Genome position (GRCh38, 1-based): chr2:44,342,442, G>A on the plus strand (C>T on the coding strand, the complement: PREPL is on the minus strand). VCF-style: chr2-44342442-G-A. GRCh37 (hg19) VCF-style: chr2-44569581-G-A.
Other names: c.727C>T, p.Arg243Cys (NM_006036.4, NM_001042385.2, NM_001042386.2 and 4 more transcripts); c.460C>T, p.Arg154Cys (NM_001171617.1, NM_001374277.1); short protein forms R243C, R154C.
Identifiers: ClinVar variation 933483 (VCV000933483.8), dbSNP rs146183409, ClinGen allele CA1641468.
Genomic context (GRCh38, chr2:44,342,442, plus strand): 5'-CTGGAGAGAAAGATTTAATTATATTATTCTAGTACCTTGGGTCTTTTTCTGTGTAAAAGC[G>A]TTCATTACGTTTGTTATCACCAAAAGTGGCTCGATATACGTCATGACAGCGAAGGTTCCT-3'
Protein context (NP_001165084.1, residues 144-164): ATFGDNKRNE[Arg154Cys]FYTEKDPSYF